The following is an entry in ClinVar:

NM_000204.5(CFI):c.563G>C (p.Gly188Ala)

Gene: CFI (complement factor I; minus strand). Cytogenetic location: 4q25.
Variant type: single nucleotide variant.
Coding change: c.563G>C on transcript NM_000204.5 (MANE Select); coding-DNA position 563, G replaced by C.
Protein change: p.Gly188Ala; replaces glycine 188 with alanine.
Molecular consequence: missense variant. On other transcripts: 5 prime UTR variant (1), non-coding transcript variant (3).
Genome position (GRCh38, 1-based): chr4:109,761,612, C>G on the plus strand (G>C on the coding strand, the complement: CFI is on the minus strand). VCF-style: chr4-109761612-C-G. GRCh37 (hg19) VCF-style: chr4-110682768-C-G.
Other names: c.563G>C, p.Gly188Ala (NM_001318057.2, NM_001331035.2, NM_001375278.1 and 10 more transcripts); c.-47G>C (NM_001375284.1); short protein forms G188A.
Identifiers: ClinVar variation 4280477 (VCV004280477.1).

ClinVar aggregate classification (germline): Likely pathogenic, low penetrance (1 of 4 stars; one submission).

Conditions:
CFI-related disorder. Also called: CFI-related condition; CFI-related disorders. Identifiers: MedGen CN239325.

Submission:

Genomenon, Inc
Classification: Likely pathogenic, low penetrance for CFI-related disorder. Last evaluated: 2025-09-26. Review status: criteria provided, single submitter. Criteria: Genomenon Sequence Variant Interpretation Standards - Updated. Collection method: curation. Allele origin: germline. Affected: no.
Comment: CFI p.Gly188Ala (c.563G>C) is a missense variant that changes the amino acid at residue 188 from Glycine to Alanine. To our knowledge, this variant has not been reported in patients affected with CFI-related disorders in the published literature. At least one functional study has demonstrated a substantial alteration in protein function relative to the wild-type (PMID:37363824;32510551;23685748). It is absent or not present at a significant frequency in gnomAD. In conclusion, we classify CFI p.Gly188Ala (c.563G>C) as a likely pathogenic, low penetrance variant.

Literature cited by the submitters: PubMed 37363824; 32510551; 23685748.